The following is an entry in ClinVar:

ClinVar aggregate classification (germline): Uncertain significance (1 of 4 stars; one submission).

Allele frequency attached by ClinVar (database versions not stated): ExAC 0.00002; gnomAD exomes 0.00004; TOPMed 0.00005; gnomAD 0.00009.

Submission:

Labcorp Genetics (formerly Invitae), Labcorp
Classification: Uncertain significance. Last evaluated: 2022-01-02. Review status: criteria provided, single submitter. Criteria: Invitae Variant Classification Sherloc (09022015). Collection method: clinical testing. Allele origin: germline.
Comment: This variant has not been reported in the literature in individuals affected with DFNA5-related conditions. In summary, the available evidence is currently insufficient to determine the role of this variant in disease. Therefore, it has been classified as a Variant of Uncertain Significance. Experimental studies and prediction algorithms are not available or were not evaluated, and the functional significance of this variant is currently unknown. This variant has been observed in at least one individual who was not affected with DFNA5-related conditions (Invitae). This variant is present in population databases (rs776314789, gnomAD 0.01%). This variant, c.1006_1035del, results in the deletion of 10 amino acid(s) of the DFNA5 protein (p.Ser336_Leu345del), but otherwise preserves the integrity of the reading frame.

NM_001127453.2(GSDME):c.1006_1035del (p.Ser336_Leu345del)

Gene: GSDME (gasdermin E; minus strand). Cytogenetic location: 7p15.3.
Variant type: Deletion.
Coding change: c.1006_1035del on transcript NM_001127453.2 (MANE Select); coding-DNA positions 1006 to 1035, 30 bases deleted (AGCGGCCTCTCGCCCACAGTGGCGGTGCTG).
Protein change: p.Ser336_Leu345del.
Molecular consequence: inframe deletion.
Genome position (GRCh38, 1-based): chr7:24,706,332-24,706,361, CAGCACCGCCACTGTGGGCGAGAGGCCGCT deleted on the plus strand (AGCGGCCTCTCGCCCACAGTGGCGGTGCTG on the coding strand, the reverse complement: GSDME is on the minus strand). VCF-style (leftmost placement, unchanged base first): chr7-24706331-CCAGCACCGCCACTGTGGGCGAGAGGCCGCT-C. GRCh37 (hg19) VCF-style: chr7-24745950-CCAGCACCGCCACTGTGGGCGAGAGGCCGCT-C.
Other names: c.514_543del, p.Ser172_Leu181del (NM_001127454.2); c.1006_1035del, p.Ser336_Leu345del (NM_004403.3).
Identifiers: ClinVar variation 1680828 (VCV001680828.7), dbSNP rs776314789, ClinGen allele CA4191422.